The following is an entry in ClinVar:

NM_001267550.2(TTN):c.11032C>T (p.Gln3678Ter)

Gene: TTN (titin; minus strand). Cytogenetic location: 2q31.2.
Variant type: single nucleotide variant.
Coding change: c.11032C>T on transcript NM_001267550.2 (MANE Select); coding-DNA position 11032, C replaced by T.
Protein change: p.Gln3678Ter; replaces glutamine 3678 with a stop codon.
Molecular consequence: nonsense. On other transcripts: intron variant (5).
Genome position (GRCh38, 1-based): chr2:178,756,444, G>A on the plus strand (C>T on the coding strand, the complement: TTN is on the minus strand). VCF-style: chr2-178756444-G-A. GRCh37 (hg19) VCF-style: chr2-179621171-G-A.
Other names: c.10519C>T, p.Gln3507Ter (NM_133437.4); c.10165+2540C>T (NM_003319.4); c.10540+1098C>T (NM_133432.3); c.10303+2540C>T (NM_133378.4, NM_001256850.1, NM_133379.5); short protein forms Q3507*, Q3678*.
Identifiers: ClinVar variation 4888083 (VCV004888083.1).

ClinVar aggregate classification (germline): Uncertain significance (1 of 4 stars; one submission).

Submission:

GeneDx
Classification: Uncertain significance. Last evaluated: 2026-03-06. Review status: criteria provided, single submitter. Criteria: GeneDx Variant Classification Process June 2021. Collection method: clinical testing. Allele origin: germline.
Comment: Nonsense variant predicted to result in protein truncation or nonsense mediated decay in a region of a gene for which loss of function is not a well-established mechanism of disease; Not observed at significant frequency in large population cohorts (gnomAD); Reported in a patient with mitral valve prolapse (PMID: 32277046); This variant is associated with the following publications: (PMID: 32277046)